The following is an entry in ClinVar:

NM_001379500.1(COL18A1):c.3673dup (p.Val1225fs)

Genes: COL18A1 (collagen type XVIII alpha 1 chain; plus strand), SLC19A1 (solute carrier family 19 member 1; minus strand). Cytogenetic location: 21q22.3.
Variant type: Duplication.
Coding change: c.3673dup on transcript NM_001379500.1 (MANE Select); coding-DNA position 3673, one base duplicated (G; older notation c.3673dupG).
Protein change: p.Val1225fs; shifts the reading frame from valine 1225.
Molecular consequence: frameshift variant.
Genome position (GRCh38, 1-based): chr21:45,510,241, G duplicated. VCF-style (leftmost placement, unchanged base first): chr21-45510240-C-CG. GRCh37 (hg19) VCF-style: chr21-46930154-C-CG.
Other names: c.4204dup, p.Val1402fs (NM_030582.4); c.4909dup, p.Val1637fs (NM_130444.3); short protein forms V1637fs, V1225fs, V1402fs.
Identifiers: ClinVar variation 1996410 (VCV001996410.4), dbSNP rs2517857892, ClinGen allele CA2580099002.

ClinVar aggregate classification (germline): Pathogenic (1 of 4 stars; one submission).

Submission:

Labcorp Genetics (formerly Invitae), Labcorp
Classification: Pathogenic. Last evaluated: 2022-05-19. Review status: criteria provided, single submitter. Criteria: Invitae Variant Classification Sherloc (09022015). Collection method: clinical testing. Allele origin: germline.
Comment: For these reasons, this variant has been classified as Pathogenic. This variant has not been reported in the literature in individuals affected with COL18A1-related conditions. This variant is not present in population databases (gnomAD no frequency). This sequence change creates a premature translational stop signal (p.Val1222Glyfs*23) in the COL18A1 gene. It is expected to result in an absent or disrupted protein product. Loss-of-function variants in COL18A1 are known to be pathogenic (PMID: 12415512, 25456301).

Literature cited by the submitters: PubMed 12415512; PubMed 25456301.